The following is an entry in ClinVar:

NM_014476.6(PDLIM3):c.917T>C (p.Val306Ala)

Gene: PDLIM3 (PDZ and LIM domain 3; minus strand). Cytogenetic location: 4q35.1.
Variant type: single nucleotide variant.
Coding change: c.917T>C on transcript NM_014476.6 (MANE Select); coding-DNA position 917, T replaced by C.
Protein change: p.Val306Ala; replaces valine 306 with alanine.
Molecular consequence: missense variant. On other transcripts: non-coding transcript variant (1).
Genome position (GRCh38, 1-based): chr4:185,502,472, A>G on the plus strand (T>C on the coding strand, the complement: PDLIM3 is on the minus strand). VCF-style: chr4-185502472-A-G. GRCh37 (hg19) VCF-style: chr4-186423626-A-G.
Other names: c.653T>C, p.Val218Ala (NM_001257962.2); c.416T>C, p.Val139Ala (NM_001257963.2); c.773T>C, p.Val258Ala (NM_001114107.5); c.917T>C (NM_014476.4); short protein forms V306A, V139A, V258A, V218A.
Identifiers: ClinVar variation 2924532 (VCV002924532.4), dbSNP rs771699213, ClinGen allele CA3159637.

ClinVar aggregate classification (germline): Uncertain significance. Review status: criteria provided, multiple submitters, no conflicts (2 of 4 stars). 2 submissions from 2 submitters: Uncertain significance (2). Last evaluated 2025-06-26.

Conditions:
Primary dilated cardiomyopathy (DCM). Also called: Dilated Cardiomyopathy. Identifiers: Orphanet 217604, MedGen C0007193, MeSH D002311, MONDO:0005021, HP:0001644. Inheritance: Various modes of inheritance.
Hypertrophic cardiomyopathy. Also called: HYPERTROPHIC MYOCARDIOPATHY. Identifiers: Orphanet 217569, MedGen C0007194, MeSH D002312, MONDO:0005045, HP:0001639.

Allele frequency attached by ClinVar (database versions not stated): ExAC 0.00001; gnomAD exomes 0.00001; gnomAD 0.00002; TOPMed 0.00002.
gnomAD v4.1: 18 of 1,613,958 alleles (0.0011%); highest among the groups gnomAD compares: African/African-American, 0.011%; no homozygotes.

Submissions (2):

Ambry Genetics
Classification: Uncertain significance. Last evaluated: 2025-06-26. Review status: criteria provided, single submitter. Criteria: Ambry Variant Classification Scheme 2023. Collection method: clinical testing. Allele origin: germline.

Labcorp Genetics (formerly Invitae), Labcorp
Classification: Uncertain significance for Hypertrophic cardiomyopathy; Primary dilated cardiomyopathy. Last evaluated: 2024-01-02. Review status: criteria provided, single submitter. Criteria: Invitae Variant Classification Sherloc (09022015). Collection method: clinical testing. Allele origin: germline.
Comment: This sequence change replaces valine, which is neutral and non-polar, with alanine, which is neutral and non-polar, at codon 306 of the PDLIM3 protein (p.Val306Ala). This variant is present in population databases (rs771699213, gnomAD 0.006%). This variant has not been reported in the literature in individuals affected with PDLIM3-related conditions. Advanced modeling of protein sequence and biophysical properties (such as structural, functional, and spatial information, amino acid conservation, physicochemical variation, residue mobility, and thermodynamic stability) performed at Invitae indicates that this missense variant is expected to disrupt PDLIM3 protein function with a positive predictive value of 80%. In summary, the available evidence is currently insufficient to determine the role of this variant in disease. Therefore, it has been classified as a Variant of Uncertain Significance.